The following is an entry in ClinVar:

ClinVar aggregate classification (germline): Uncertain significance (1 of 4 stars; one submission).

Submission:

Labcorp Genetics (formerly Invitae), Labcorp
Classification: Uncertain significance. Last evaluated: 2022-10-17. Review status: criteria provided, single submitter. Criteria: Invitae Variant Classification Sherloc (09022015). Collection method: clinical testing. Allele origin: germline.
Comment: In summary, the available evidence is currently insufficient to determine the role of this variant in disease. Therefore, it has been classified as a Variant of Uncertain Significance. Algorithms developed to predict the effect of missense changes on protein structure and function are either unavailable or do not agree on the potential impact of this missense change (SIFT: "Deleterious"; PolyPhen-2: "Benign"; Align-GVGD: "Class C0"). This variant has not been reported in the literature in individuals affected with TRPC6-related conditions. This variant is not present in population databases (gnomAD no frequency). This sequence change replaces aspartic acid, which is acidic and polar, with alanine, which is neutral and non-polar, at codon 562 of the TRPC6 protein (p.Asp562Ala).

NM_004621.6(TRPC6):c.1685A>C (p.Asp562Ala)

Gene: TRPC6 (transient receptor potential cation channel subfamily C member 6; minus strand). Cytogenetic location: 11q22.1.
Variant type: single nucleotide variant.
Coding change: c.1685A>C on transcript NM_004621.6 (MANE Select); coding-DNA position 1685, A replaced by C.
Protein change: p.Asp562Ala; replaces aspartic acid 562 with alanine.
Molecular consequence: missense variant.
Genome position (GRCh38, 1-based): chr11:101,476,360, T>G on the plus strand (A>C on the coding strand, the complement: TRPC6 is on the minus strand). VCF-style: chr11-101476360-T-G. GRCh37 (hg19) VCF-style: chr11-101347091-T-G.
Other names: short protein forms D562A.
Identifiers: ClinVar variation 1949052 (VCV001949052.5), dbSNP rs2497345269, ClinGen allele CA382440703.